The following is an entry in ClinVar:

ClinVar aggregate classification (germline): Uncertain significance (1 of 4 stars; one submission).

Conditions:
Hereditary cancer-predisposing syndrome. Also called: Hereditary neoplastic syndrome; Neoplastic Syndromes, Hereditary; Tumor predisposition; Hereditary Cancer Syndrome. Identifiers: Orphanet 140162, MedGen C0027672, MeSH D009386, MONDO:0015356.

Submission:

Ambry Genetics
Classification: Uncertain significance for Hereditary cancer-predisposing syndrome. Last evaluated: 2025-08-27. Review status: criteria provided, single submitter. Criteria: Ambry Variant Classification Scheme 2023. Collection method: clinical testing. Allele origin: germline.
Comment: The p.Q310L variant (also known as c.929A>T), located in coding exon 10 of the MUTYH gene, results from an A to T substitution at nucleotide position 929. The glutamine at codon 310 is replaced by leucine, an amino acid with dissimilar properties. This amino acid position is conserved. In addition, the in silico prediction for this alteration is inconclusive. Based on the available evidence, the clinical significance of this variant remains unclear.

NM_001048174.2(MUTYH):c.845A>T (p.Gln282Leu)

Gene: MUTYH (mutY DNA glycosylase; minus strand). Cytogenetic location: 1p34.1.
Variant type: single nucleotide variant.
Coding change: c.845A>T on transcript NM_001048174.2 (MANE Select); coding-DNA position 845, A replaced by T.
Protein change: p.Gln282Leu; replaces glutamine 282 with leucine.
Molecular consequence: missense variant. On other transcripts: non-coding transcript variant (7).
Genome position (GRCh38, 1-based): chr1:45,332,170, T>A on the plus strand (A>T on the coding strand, the complement: MUTYH is on the minus strand). VCF-style: chr1-45332170-T-A. GRCh37 (hg19) VCF-style: chr1-45797842-T-A.
Other names: c.845A>T, p.Gln282Leu (NM_001048171.2, NM_001048173.2, NM_001293195.2 and 6 more transcripts); c.848A>T, p.Gln283Leu (NM_001048172.2, NM_001407071.1, NM_001407078.1 and 1 more transcripts); c.929A>T, p.Gln310Leu (NM_001128425.2); c.890A>T, p.Gln297Leu (NM_001293190.2); c.878A>T, p.Gln293Leu (NM_001293191.2, NM_001407069.1, NM_001407077.1); c.569A>T, p.Gln190Leu (NM_001293192.2, NM_001293196.2, NM_001407091.1); c.500A>T, p.Gln167Leu (NM_001350650.2, NM_001350651.2, NM_001407082.1); c.866A>T, p.Gln289Leu (NM_001407087.1); and 5 more; short protein forms Q268L, Q269L, Q282L, Q293L, Q307L, Q254L, Q283L, Q289L.
Identifiers: ClinVar variation 4113913 (VCV004113913.1).
Genomic context (GRCh38, chr1:45,332,170, plus strand): 5'-CATAGGGCAGAGTCACTCCTTAGGACTTCTCACTGCCCCTTCCCCAGTAGGCTTACTCTC[T>A]GGCGTGCCCGGCACAGGCTCTCCACAGGGCACTGGCTGCACAGTGGGCGCTGTGGGGTAC-3'
Protein context (NP_001041639.1, residues 272-292): CPVESLCRAR[Gln282Leu]RVEQEQLLAS